The following is an entry in ClinVar:

NM_001414.4(EIF2B1):c.891C>T (p.Ser297=)

Genes: EIF2B1 (eukaryotic translation initiation factor 2B subunit alpha; minus strand), LOC126861664 (CDK7 strongly-dependent group 2 enhancer GRCh37_chr12:124105924-124107123; plus strand). Cytogenetic location: 12q24.31.
Variant type: single nucleotide variant.
Coding change: c.891C>T on transcript NM_001414.4 (MANE Select); coding-DNA position 891, C replaced by T.
Protein change: p.Ser297=; no amino-acid change (serine 297 retained).
Molecular consequence: synonymous variant.
Genome position (GRCh38, 1-based): chr12:123,621,783, G>A on the plus strand (C>T on the coding strand, the complement: EIF2B1 is on the minus strand). VCF-style: chr12-123621783-G-A. GRCh37 (hg19) VCF-style: chr12-124106330-G-A.
Identifiers: ClinVar variation 732578 (VCV000732578.44), dbSNP rs200304161, ClinGen allele CA6859932.
Genomic context (GRCh38, chr12:123,621,783, plus strand): 5'-TAAGCTGCACCTTGGCAGGAAAGGGCTCACAGGTTACAGATAGAGCTTGATGAGCTCATC[G>A]CTGACTGCTGAGGGTGTCAGCACGCCCAGGTCTGTAAACAGCAGAGTGATTAAGGAAGGG-3'
Protein context (NP_001405.1, residues 287-305): DLGVLTPSAV[Ser297=]DELIKLYL

ClinVar aggregate classification (germline): Likely benign. Review status: criteria provided, multiple submitters, no conflicts (2 of 4 stars). 2 submissions from 2 submitters: Likely benign (2). Last evaluated 2026-01-14.

Allele frequency attached by ClinVar (database versions not stated): ExAC 0.00009; TOPMed 0.00009; gnomAD 0.00011; gnomAD exomes 0.00012 and 0.00014.
gnomAD v4.1: 221 of 1,613,680 alleles (0.014%); highest among the groups gnomAD compares: Middle Eastern, 0.017%; no homozygotes.

Submissions (2):

Labcorp Genetics (formerly Invitae), Labcorp
Classification: Likely benign. Last evaluated: 2026-01-14. Review status: criteria provided, single submitter. Criteria: Invitae Variant Classification Sherloc (09022015). Collection method: clinical testing. Allele origin: germline.

CeGaT Center for Human Genetics Tuebingen
Classification: Likely benign. Last evaluated: 2022-11-01. Review status: criteria provided, single submitter. Criteria: CeGaT Center For Human Genetics Tuebingen Variant Classification Criteria Version 2. Collection method: clinical testing. Allele origin: germline. Affected: yes. Observed: 5 variant alleles.
Comment: EIF2B1: BP4, BP7